The following is an entry in ClinVar:

NM_020821.3(VPS13C):c.5522C>T (p.Ser1841Phe)

Gene: VPS13C (vacuolar protein sorting 13 homolog C; minus strand). Cytogenetic location: 15q22.2.
Variant type: single nucleotide variant.
Coding change: c.5522C>T on transcript NM_020821.3 (MANE Select); coding-DNA position 5522, C replaced by T.
Protein change: p.Ser1841Phe; replaces serine 1841 with phenylalanine.
Molecular consequence: missense variant.
Genome position (GRCh38, 1-based): chr15:61,940,726, G>A on the plus strand (C>T on the coding strand, the complement: VPS13C is on the minus strand). VCF-style: chr15-61940726-G-A. GRCh37 (hg19) VCF-style: chr15-62232925-G-A.
Other names: p.Ser1841Phe; c.5522C>T, p.Ser1841Phe (NM_001018088.3); c.5393C>T, p.Ser1798Phe (NM_017684.5, NM_018080.4); short protein forms S1798F, S1841F.
Identifiers: ClinVar variation 1657282 (VCV001657282.9), dbSNP rs77555508, ClinGen allele CA7595811.
Genomic context (GRCh38, chr15:61,940,726, plus strand): 5'-CCTTTTATCTCCATCCCTGGAATTTGCACATACCATGCTGCTGCTAAGTTTCGCTGTATG[G>A]ACAAAAGCATGTTGACTGGTTTTAAAATTTCAATGTCATTTTGTGGCAAGCTAGCCTGCA-3'
Protein context (NP_065872.1, residues 1831-1851): EILKPVNMLL[Ser1841Phe]IQRNLAAAWY

ClinVar aggregate classification (germline): Benign/Likely benign. Review status: criteria provided, multiple submitters, no conflicts (2 of 4 stars). 2 submissions from 2 submitters: Benign (1); Likely benign (1). Last evaluated 2025-05-27.

Allele frequency attached by ClinVar (database versions not stated): gnomAD 0.00031 and 0.00046; TOPMed 0.00064; ExAC 0.00091; gnomAD exomes 0.00098; 1000 Genomes Project 30x 0.00219; 1000 Genomes Project 0.00220.
gnomAD v4.1: 583 of 1,613,706 alleles (0.036%); highest among the groups gnomAD compares: East Asian, 1%; 4 homozygotes.

Submissions (2):

Mayo Clinic Laboratories, Mayo Clinic
Classification: Likely benign. Last evaluated: 2025-05-27. Review status: criteria provided, single submitter. Criteria: ACMG Guidelines, 2015. Collection method: clinical testing. Allele origin: germline. Observed: 1 variant allele.
Comment: BS1, BP4_moderate

Labcorp Genetics (formerly Invitae), Labcorp
Classification: Benign. Last evaluated: 2024-11-26. Review status: criteria provided, single submitter. Criteria: Invitae Variant Classification Sherloc (09022015). Collection method: clinical testing. Allele origin: germline.